The following is an entry in ClinVar:

NM_001009944.3(PKD1):c.2854-2A>G

Gene: PKD1 (polycystin 1, transient receptor potential channel interacting; minus strand). Cytogenetic location: 16p13.3.
Variant type: single nucleotide variant.
Coding change: c.2854-2A>G on transcript NM_001009944.3 (MANE Select); the canonical splice acceptor site of the intron before coding-DNA position 2854, A replaced by G.
Molecular consequence: splice acceptor variant.
Genome position (GRCh38, 1-based): chr16:2,113,294, T>C on the plus strand (A>G on the coding strand, the complement: PKD1 is on the minus strand). VCF-style: chr16-2113294-T-C. GRCh37 (hg19) VCF-style: chr16-2163295-T-C.
Other names: c.2854-2A>G (NM_000296.4).
Identifiers: ClinVar variation 521112 (VCV000521112.48), dbSNP rs1555457488, ClinGen allele CA394385866.

ClinVar aggregate classification (germline): Pathogenic/Likely pathogenic. Review status: criteria provided, multiple submitters, no conflicts (2 of 4 stars). 4 submissions from 4 submitters: Pathogenic (3); Likely pathogenic (1). Last evaluated 2025-11-17.

Conditions:
Inborn genetic diseases. Identifiers: MedGen C0950123, MeSH D030342.
Polycystic kidney disease, adult type (PKD1). Also called: POLYCYSTIC KIDNEY DISEASE 1 WITH OR WITHOUT POLYCYSTIC LIVER DISEASE; POLYCYSTIC KIDNEY DISEASE, ADULT, TYPE I; Polycystic Kidney Disease 1, Autosomal Dominant; Polycystic kidney disease 1; Polycystic kidney disease 1, severe; Polycystic Kidney, Autosomal Dominant. Identifiers: MedGen C3149841, MONDO:0008263, OMIM 173900.

Submissions (4):

Victorian Clinical Genetics Services, Murdoch Childrens Research Institute
Classification: Pathogenic for Polycystic kidney disease, adult type. Last evaluated: 2025-11-17. Review status: criteria provided, single submitter. Criteria: ACMG Guidelines, 2015. Collection method: clinical testing. Allele origin: germline. Affected: yes.
Comment: This variant is classified as Pathogenic. Evidence in support of pathogenic classification: Canonical splice site variant without proven consequence on splicing (no functional evidence available); Variant is absent from gnomAD (v2, v3 and v4); This variant has moderate previous evidence of pathogenicity in unrelated individuals. This variant has been classified as likely pathogenic/pathogenic by clinical laboratories in ClinVar, and is reported in the literature in an individual with polycystic kidney disease (PMID: 22508176); Abnormal splicing is predicted by in silico tool and affected nucleotide is highly conserved. Additional information: This variant is heterozygous; This gene is associated with autosomal dominant disease. This gene is associated with autosomal dominant disease. Polycystic kidney disease 1 (MIM#173900) is predominantly caused by monoallelic variants, with rare reports of biallelic variants causing disease (OMIM); Loss of function is a known mechanism of disease in this gene and is associated with polycystic kidney disease 1 (MIM#173900); Inheritance information for this variant is not currently available in this individual.

GeneDx
Classification: Likely pathogenic. Last evaluated: 2025-06-17. Review status: criteria provided, single submitter. Criteria: GeneDx Variant Classification Process June 2021. Collection method: clinical testing. Allele origin: germline.
Comment: Canonical splice site variant predicted to result in an in-frame loss of the adjacent exon in a gene for which loss of function is a known mechanism of disease; Not observed at significant frequency in large population cohorts (gnomAD); This variant is associated with the following publications: (PMID: 22508176)

CeGaT Center for Human Genetics Tuebingen
Classification: Pathogenic. Last evaluated: 2020-01-01. Review status: criteria provided, single submitter. Criteria: CeGaT Center For Human Genetics Tuebingen Variant Classification Criteria Version 2. Collection method: clinical testing. Allele origin: germline. Affected: yes. Observed: 2 variant alleles.

Ambry Genetics
Classification: Pathogenic for Inborn genetic diseases. Last evaluated: 2016-06-30. Review status: criteria provided, single submitter. Criteria: Ambry exome assertion method (8-5-2015). Collection method: clinical testing. Allele origin: germline. Affected: yes. Observed: 1 variant allele.

Literature cited by the submitters: PubMed 22508176 (cited by Victorian Clinical Genetics Services, Murdoch Childrens Research Institute).